The following is an entry in ClinVar:

NM_001098540.3(HPSE):c.481A>C (p.Lys161Gln)

Gene: HPSE (heparanase; minus strand). Cytogenetic location: 4q21.23.
Variant type: single nucleotide variant.
Coding change: c.481A>C on transcript NM_001098540.3 (MANE Select); coding-DNA position 481, A replaced by C.
Protein change: p.Lys161Gln; replaces lysine 161 with glutamine.
Molecular consequence: missense variant.
Genome position (GRCh38, 1-based): chr4:83,319,362, T>G on the plus strand (A>C on the coding strand, the complement: HPSE is on the minus strand). VCF-style: chr4-83319362-T-G. GRCh37 (hg19) VCF-style: chr4-84240515-T-G.
Other names: c.481A>C, p.Lys161Gln (NM_001166498.3, NM_001199830.1, NM_006665.6); short protein forms K161Q.
Identifiers: ClinVar variation 3041372 (VCV003041372.2), dbSNP rs75865093, ClinGen allele CA2989118.

ClinVar aggregate classification (germline): Benign (0 of 4 stars; one submission).

Conditions:
HPSE-related disorder. Also called: HPSE-related condition.

Allele frequency attached by ClinVar (database versions not stated): gnomAD 0.00054; TOPMed 0.00054; ExAC 0.00101; 1000 Genomes Project 0.00200; 1000 Genomes Project 30x 0.00219.
gnomAD v4.1: 879 of 1,613,980 alleles (0.054%); highest among the groups gnomAD compares: East Asian, 1.9%; 10 homozygotes.

Submission:

PreventionGenetics, part of Exact Sciences
Classification: Benign for HPSE-related condition. Last evaluated: 2019-12-27. Review status: no assertion criteria provided. Collection method: clinical testing. Allele origin: germline.
Comment: This variant is classified as benign based on ACMG/AMP sequence variant interpretation guidelines (Richards et al. 2015 PMID: 25741868, with internal and published modifications).